The following is an entry in ClinVar:

ClinVar aggregate classification (germline): Uncertain significance. Review status: criteria provided, multiple submitters, no conflicts (2 of 4 stars). 2 submissions from 2 submitters: Uncertain significance (2). Last evaluated 2023-08-03.

Allele frequency attached by ClinVar (database versions not stated): 1000 Genomes Project 30x 0.00016.
gnomAD v4.1: 134 of 1,614,044 alleles (0.0083%); highest among the groups gnomAD compares: East Asian, 0.25%; 1 homozygote.

Submissions (2):

Labcorp Genetics (formerly Invitae), Labcorp
Classification: Uncertain significance. Last evaluated: 2023-08-03. Review status: criteria provided, single submitter. Criteria: Invitae Variant Classification Sherloc (09022015). Collection method: clinical testing. Allele origin: germline.
Comment: In summary, the available evidence is currently insufficient to determine the role of this variant in disease. Therefore, it has been classified as a Variant of Uncertain Significance. An algorithm developed to predict the effect of missense changes on protein structure and function (PolyPhen-2) suggests that this variant is likely to be disruptive. ClinVar contains an entry for this variant (Variation ID: 1411038). This variant has not been reported in the literature in individuals affected with HSPG2-related conditions. This variant is present in population databases (rs750376699, gnomAD 0.05%). This sequence change replaces threonine, which is neutral and polar, with methionine, which is neutral and non-polar, at codon 3838 of the HSPG2 protein (p.Thr3838Met).

Revvity Omics, Revvity
Classification: Uncertain significance. Last evaluated: 2019-06-12. Review status: criteria provided, single submitter. Criteria: ACMG Guidelines, 2015. Collection method: clinical testing. Allele origin: germline.

NM_005529.7(HSPG2):c.11513C>T (p.Thr3838Met)

Gene: HSPG2 (heparan sulfate proteoglycan 2; minus strand). Cytogenetic location: 1p36.12.
Variant type: single nucleotide variant.
Coding change: c.11513C>T on transcript NM_005529.7 (MANE Select); coding-DNA position 11513, C replaced by T.
Protein change: p.Thr3838Met; replaces threonine 3838 with methionine.
Molecular consequence: missense variant.
Genome position (GRCh38, 1-based): chr1:21,831,264, G>A on the plus strand (C>T on the coding strand, the complement: HSPG2 is on the minus strand). VCF-style: chr1-21831264-G-A. GRCh37 (hg19) VCF-style: chr1-22157757-G-A.
Other names: c.11516C>T, p.Thr3839Met (NM_001291860.2); c.11513C>T (NM_005529.5); short protein forms T3838M, T3839M.
Identifiers: ClinVar variation 1411038 (VCV001411038.8), dbSNP rs750376699, ClinGen allele CA669755.